The following is an entry in ClinVar:

NM_014989.7(RIMS1):c.2963G>A (p.Arg988His)

Gene: RIMS1 (regulating synaptic membrane exocytosis 1; plus strand). Cytogenetic location: 6q13.
Variant type: single nucleotide variant.
Coding change: c.2963G>A on transcript NM_014989.7 (MANE Select); coding-DNA position 2963, G replaced by A.
Protein change: p.Arg988His; replaces arginine 988 with histidine.
Molecular consequence: missense variant.
Genome position (GRCh38, 1-based): chr6:72,259,021, G>A. VCF-style: chr6-72259021-G-A. GRCh37 (hg19) VCF-style: chr6-72968724-G-A.
Other names: c.1382G>A, p.Arg461His (NM_001168407.2, NM_001350415.2, NM_001350418.2 and 19 more transcripts); c.1385G>A, p.Arg462His (NM_001168408.2, NM_001350414.2, NM_001350416.2 and 15 more transcripts); c.1142G>A, p.Arg381His (NM_001168409.2, NM_001350464.2, NM_001350465.2 and 3 more transcripts); c.1340G>A, p.Arg447His (NM_001168410.2, NM_001350470.2, NM_001350473.2 and 1 more transcripts); c.1313G>A, p.Arg438His (NM_001350421.2, NM_001350430.2, NM_001350437.2 and 2 more transcripts); c.1316G>A, p.Arg439His (NM_001350424.2, NM_001350428.2, NM_001350459.2 and 1 more transcripts); c.1139G>A, p.Arg380His (NM_001350461.2, NM_001350463.2, NM_001350468.2); c.1337G>A, p.Arg446His (NM_001350472.2); short protein forms R446H, R447H, R462H, R380H, R438H, R461H, R439H, R988H.
Identifiers: ClinVar variation 936491 (VCV000936491.9), dbSNP rs1282302870, ClinGen allele CA364683081.

ClinVar aggregate classification (germline): Uncertain significance (1 of 4 stars; one submission).

Allele frequency attached by ClinVar (database versions not stated): TOPMed below 0.00001; gnomAD exomes 0.00001.
gnomAD v4.1: 7 of 1,612,616 alleles (0.00043%); highest among the groups gnomAD compares: Admixed American, 0.0017%; no homozygotes.

Submission:

Labcorp Genetics (formerly Invitae), Labcorp
Classification: Uncertain significance. Last evaluated: 2024-12-19. Review status: criteria provided, single submitter. Criteria: Invitae Variant Classification Sherloc (09022015). Collection method: clinical testing. Allele origin: germline.
Comment: This sequence change replaces arginine, which is basic and polar, with histidine, which is basic and polar, at codon 988 of the RIMS1 protein (p.Arg988His). This variant is present in population databases (no rsID available, gnomAD 0.006%). This variant has not been reported in the literature in individuals affected with RIMS1-related conditions. ClinVar contains an entry for this variant (Variation ID: 936491). An algorithm developed to predict the effect of missense changes on protein structure and function (PolyPhen-2) suggests that this variant is likely to be disruptive. In summary, the available evidence is currently insufficient to determine the role of this variant in disease. Therefore, it has been classified as a Variant of Uncertain Significance.